The following is an entry in ClinVar:

ClinVar aggregate classification (germline): Uncertain significance. Review status: criteria provided, multiple submitters, no conflicts (2 of 4 stars). 3 submissions from 3 submitters: Uncertain significance (3). Last evaluated 2026-07-07.

Conditions:
Multiple endocrine neoplasia, type 2 (MEN2). Identifiers: Orphanet 653, MedGen C4048306, MONDO:0019003. Disease mechanism: gain of function.
Hereditary cancer-predisposing syndrome. Also called: Hereditary Cancer Syndrome; Hereditary neoplastic syndrome; Neoplastic Syndromes, Hereditary; Tumor predisposition. Identifiers: Orphanet 140162, MedGen C0027672, MeSH D009386, MONDO:0015356.

Submissions (3):

Ambry Genetics
Classification: Uncertain significance for Hereditary cancer-predisposing syndrome. Last evaluated: 2026-07-07. Review status: criteria provided, single submitter. Criteria: Ambry Variant Classification Scheme 2023. Collection method: clinical testing. Allele origin: germline.
Comment: The p.S365W variant (also known as c.1094C>G), located in coding exon 6 of the RET gene, results from a C to G substitution at nucleotide position 1094. The serine at codon 365 is replaced by tryptophan, an amino acid with highly dissimilar properties. This amino acid position is conserved. In addition, the in silico prediction for this alteration is inconclusive. Based on the available evidence, the clinical significance of this variant remains unclear.

Color Diagnostics, LLC DBA Color Health
Classification: Uncertain significance for Multiple endocrine neoplasia, type 2. Last evaluated: 2025-08-07. Review status: criteria provided, single submitter. Criteria: ACMG Guidelines, 2015. Collection method: clinical testing. Allele origin: germline.
Comment: This missense variant replaces serine with tryptophan at codon 365 of the RET protein. Computational prediction suggests that this variant may not impact protein structure and function. To our knowledge, functional studies have not been reported for this variant. This variant has not been reported in individuals affected with RET-related disorders in the literature. This variant has not been identified in the general population by the Genome Aggregation Database (gnomAD). The available evidence is insufficient to determine the role of this variant in disease conclusively. Therefore, this variant is classified as a Variant of Uncertain Significance.

Labcorp Genetics (formerly Invitae), Labcorp
Classification: Uncertain significance for Multiple endocrine neoplasia, type 2. Last evaluated: 2025-05-03. Review status: criteria provided, single submitter. Criteria: Invitae Variant Classification Sherloc (09022015). Collection method: clinical testing. Allele origin: germline.
Comment: This sequence change replaces serine, which is neutral and polar, with tryptophan, which is neutral and slightly polar, at codon 365 of the RET protein (p.Ser365Trp). This variant is not present in population databases (gnomAD no frequency). This variant has not been reported in the literature in individuals affected with RET-related conditions. An algorithm developed to predict the effect of missense changes on protein structure and function (PolyPhen-2) suggests that this variant is likely to be disruptive. In summary, the available evidence is currently insufficient to determine the role of this variant in disease. Therefore, it has been classified as a Variant of Uncertain Significance.

NM_020975.6(RET):c.1094C>G (p.Ser365Trp)

Gene: RET (ret proto-oncogene; plus strand). Cytogenetic location: 10q11.21.
Variant type: single nucleotide variant.
Coding change: c.1094C>G on transcript NM_020975.6 (MANE Select); coding-DNA position 1094, C replaced by G.
Protein change: p.Ser365Trp; replaces serine 365 with tryptophan.
Molecular consequence: missense variant. On other transcripts: intron variant (18).
Genome position (GRCh38, 1-based): chr10:43,109,061, C>G. VCF-style: chr10-43109061-C-G. GRCh37 (hg19) VCF-style: chr10-43604509-C-G.
Other names: c.368C>G, p.Ser123Trp (NM_001406777.1, NM_001406778.1, NM_001406775.1 and 1 more transcripts); c.104C>G, p.Ser35Trp (NM_001406784.1); c.1094C>G, p.Ser365Trp (NM_020630.7, NM_001406743.1, NM_001406744.1 and 4 more transcripts); c.332C>G, p.Ser111Trp (NM_001355216.2); c.965C>G, p.Ser322Trp (NM_001406761.1, NM_001406762.1, NM_001406764.1 and 1 more transcripts); c.868-2146C>G (NM_001406772.1, NM_001406769.1); c.626-3038C>G (NM_001406782.1, NM_001406780.1, NM_001406779.1 and 3 more transcripts); c.739-2146C>G (NM_001406774.1); and 5 more; short protein forms S111W, S123W, S219W, S269W, S322W, S35W, S365W.
Identifiers: ClinVar variation 4756488 (VCV004756488.3).